The following is an entry in ClinVar:

NM_017617.5(NOTCH1):c.1956G>T (p.Ser652=)

Gene: NOTCH1 (notch receptor 1; minus strand). Cytogenetic location: 9q34.3.
Variant type: single nucleotide variant.
Coding change: c.1956G>T on transcript NM_017617.5 (MANE Select); coding-DNA position 1956, G replaced by T.
Protein change: p.Ser652=; no amino-acid change (serine 652 retained).
Molecular consequence: synonymous variant.
Genome position (GRCh38, 1-based): chr9:136,515,348, C>A on the plus strand (G>T on the coding strand, the complement: NOTCH1 is on the minus strand). VCF-style: chr9-136515348-C-A. GRCh37 (hg19) VCF-style: chr9-139409800-C-A.
Identifiers: ClinVar variation 671064 (VCV000671064.1), dbSNP rs376101458, ClinGen allele CA467833643.

ClinVar aggregate classification (germline): Likely benign (1 of 4 stars; one submission).

Submission:

GeneDx
Classification: Likely benign. Last evaluated: 2018-06-13. Review status: criteria provided, single submitter. Criteria: GeneDx Variant Classification (06012015). Collection method: clinical testing. Allele origin: germline. Affected: yes.
Comment: This variant is considered likely benign or benign based on one or more of the following criteria: it is a conservative change, it occurs at a poorly conserved position in the protein, it is predicted to be benign by multiple in silico algorithms, and/or has population frequency not consistent with disease.